The following is an entry in ClinVar:

NM_005560.6(LAMA5):c.8912G>A (p.Arg2971Gln)

Gene: LAMA5 (laminin subunit alpha 5; minus strand). Cytogenetic location: 20q13.33.
Variant type: single nucleotide variant.
Coding change: c.8912G>A on transcript NM_005560.6 (MANE Select); coding-DNA position 8912, G replaced by A.
Protein change: p.Arg2971Gln; replaces arginine 2971 with glutamine.
Molecular consequence: missense variant.
Genome position (GRCh38, 1-based): chr20:62,313,131, C>T on the plus strand (G>A on the coding strand, the complement: LAMA5 is on the minus strand). VCF-style: chr20-62313131-C-T. GRCh37 (hg19) VCF-style: chr20-60888187-C-T.
Other names: short protein forms R2971Q.
Identifiers: ClinVar variation 2140069 (VCV002140069.1), dbSNP rs200879732, ClinGen allele CA9940516.

ClinVar aggregate classification (germline): Uncertain significance (1 of 4 stars; one submission).

Allele frequency attached by ClinVar (database versions not stated): gnomAD exomes 0.00002; ExAC 0.00005; TOPMed 0.00005; gnomAD 0.00006; 1000 Genomes Project 0.00040; 1000 Genomes Project 30x 0.00047.
gnomAD v4.1: 40 of 1,608,818 alleles (0.0025%); highest among the groups gnomAD compares: East Asian, 0.016%; no homozygotes.

Submission:

Labcorp Genetics (formerly Invitae), Labcorp
Classification: Uncertain significance. Last evaluated: 2022-05-25. Review status: criteria provided, single submitter. Criteria: Invitae Variant Classification Sherloc (09022015). Collection method: clinical testing. Allele origin: germline.
Comment: This sequence change replaces arginine, which is basic and polar, with glutamine, which is neutral and polar, at codon 2971 of the LAMA5 protein (p.Arg2971Gln). This variant is present in population databases (rs200879732, gnomAD 0.04%). This variant has not been reported in the literature in individuals affected with LAMA5-related conditions. Algorithms developed to predict the effect of missense changes on protein structure and function (SIFT, PolyPhen-2, Align-GVGD) all suggest that this variant is likely to be tolerated. In summary, the available evidence is currently insufficient to determine the role of this variant in disease. Therefore, it has been classified as a Variant of Uncertain Significance.